The following is an entry in ClinVar:

ClinVar aggregate classification (germline): Benign/Likely benign. Review status: criteria provided, multiple submitters, no conflicts (2 of 4 stars). 5 submissions from 5 submitters: Benign (2); Likely benign (2). 1 of the submissions does not count toward it. Last evaluated 2026-08-01.

Conditions:
TUBB3-related disorder. Also called: TUBB3-related disorders; TUBB3-related condition.

Allele frequency attached by ClinVar (database versions not stated): gnomAD 0.00006; gnomAD exomes 0.00008 and 0.00036; TOPMed 0.00015; ExAC 0.00031.

Submissions (5):

CeGaT Center for Human Genetics Tuebingen
Classification: Likely benign. Last evaluated: 2026-08-01. Review status: criteria provided, single submitter. Criteria: CeGaT Center For Human Genetics Tuebingen Variant Classification Criteria Version 2. Collection method: clinical testing. Allele origin: germline. Affected: yes. Observed: 1 variant allele.
Comment: TUBB3: BP4, BP7, BS1

Labcorp Genetics (formerly Invitae), Labcorp
Classification: Benign. Last evaluated: 2025-12-14. Review status: criteria provided, single submitter. Criteria: Invitae Variant Classification Sherloc (09022015). Collection method: clinical testing. Allele origin: germline.

Mayo Clinic Laboratories, Mayo Clinic
Classification: Benign. Last evaluated: 2024-12-06. Review status: criteria provided, single submitter. Criteria: ACMG Guidelines, 2015. Collection method: clinical testing. Allele origin: germline. Observed: 1 variant allele.
Comment: BS1, BS2, BP4, BP7

GeneDx
Classification: Likely benign. Last evaluated: 2017-03-18. Review status: criteria provided, single submitter. Criteria: GeneDx Variant Classification (06012015). Collection method: clinical testing. Allele origin: germline. Affected: yes.
Comment: This variant is considered likely benign or benign based on one or more of the following criteria: it is a conservative change, it occurs at a poorly conserved position in the protein, it is predicted to be benign by multiple in silico algorithms, and/or has population frequency not consistent with disease.

PreventionGenetics, part of Exact Sciences
Classification: Likely benign for TUBB3-related condition. Last evaluated: 2020-06-15. Review status: no assertion criteria provided. Collection method: clinical testing. Allele origin: germline. Not counted in ClinVar's aggregate classification.
Comment: This variant is classified as likely benign based on ACMG/AMP sequence variant interpretation guidelines (Richards et al. 2015 PMID: 25741868, with internal and published modifications).

NM_006086.4(TUBB3):c.447G>A (p.Thr149=)

Gene: TUBB3 (tubulin beta 3 class III; plus strand). Cytogenetic location: 16q24.3.
Variant type: single nucleotide variant.
Coding change: c.447G>A on transcript NM_006086.4 (MANE Select); coding-DNA position 447, G replaced by A.
Protein change: p.Thr149=; no amino-acid change (threonine 149 retained).
Molecular consequence: synonymous variant.
Genome position (GRCh38, 1-based): chr16:89,934,898, G>A. VCF-style: chr16-89934898-G-A. GRCh37 (hg19) VCF-style: chr16-90001306-G-A.
Other names: p.Thr149=; c.231G>A, p.Thr77= (NM_001197181.2).
Identifiers: ClinVar variation 516838 (VCV000516838.13), dbSNP rs371662941, ClinGen allele CA8256113.